The following is an entry in ClinVar:

ClinVar aggregate classification (germline): Conflicting classifications of pathogenicity. Review status: criteria provided, conflicting classifications (1 of 4 stars). 23 submissions from 23 submitters: Uncertain significance (3); Benign (8); Likely benign (7). 5 of the submissions do not count toward it. Last evaluated 2026-09-01.

Conditions:
Ataxia-telangiectasia-like disorder (ATLD). Identifiers: MedGen C1858391, MONDO:0011457.
Hereditary cancer-predisposing syndrome. Also called: Neoplastic Syndromes, Hereditary; Hereditary Cancer Syndrome; Tumor predisposition; Hereditary neoplastic syndrome. Identifiers: Orphanet 140162, MedGen C0027672, MeSH D009386, MONDO:0015356.
Hereditary breast ovarian cancer syndrome. Also called: Hereditary breast and ovarian cancer syndrome; Breast and ovarian cancer; BRCA1- and BRCA2-Associated Hereditary Breast and Ovarian Cancer; Hereditary breast and ovarian cancer; Hereditary breast and ovarian cancer syndrome (HBOC); Hereditary breast and/or ovarian cancer syndrome. Identifiers: Orphanet 145, MedGen C0677776, MeSH D061325, MONDO:0003582. Disease mechanism: loss of function.
Ataxia-telangiectasia-like disorder 1 (ATLD1). Identifiers: Orphanet 251347, MedGen C4012790, MONDO:0024557, OMIM 604391.

Allele frequency attached by ClinVar (database versions not stated): 1000 Genomes Project 0.00160; 1000 Genomes Project 30x 0.00172; gnomAD 0.00399; TOPMed 0.00436; ESP Exome Variant Server 0.00469.
gnomAD v4.1: 9,745 of 1,613,870 alleles (0.6%); highest among the groups gnomAD compares: Non-Finnish European, 0.75%; 47 homozygotes.

Submissions (23):

CeGaT Center for Human Genetics Tuebingen
Classification: Likely benign. Last evaluated: 2026-09-01. Review status: criteria provided, single submitter. Criteria: CeGaT Center For Human Genetics Tuebingen Variant Classification Criteria Version 2. Collection method: clinical testing. Allele origin: germline. Affected: yes. Observed: 60 variant alleles.
Comment: MRE11: BS2

Labcorp Genetics (formerly Invitae), Labcorp
Classification: Benign for Ataxia-telangiectasia-like disorder. Last evaluated: 2026-01-28. Review status: criteria provided, single submitter. Criteria: Invitae Variant Classification Sherloc (09022015). Collection method: clinical testing. Allele origin: germline.

Dasa
Classification: Benign. Last evaluated: 2025-12-10. Review status: criteria provided, single submitter. Criteria: DASA Assertion Criteria. Collection method: clinical testing. Allele origin: germline.
Comment: NM_005591.4(MRE11):c.1475C>A (p.Ala492Asp) is a missense variant that results in the substitution of alanine with aspartic acid. Population frequency is inconsistent with a disease-causing role for this variant, and observations in unaffected individuals support a benign interpretation. Therefore, based on the currently available evidence, this variant is classified as benign.

Laboratorio de I+D, Fundación Centro Médico de Asturias
Classification: Likely benign for Hereditary cancer-predisposing syndrome. Last evaluated: 2025-07-10. Review status: criteria provided, single submitter. Criteria: ACMG Guidelines, 2015. Collection method: clinical testing. Allele origin: germline.
Comment: BS1+PP1

Blueprint Genetics
Classification: Likely benign. Last evaluated: 2024-11-27. Review status: criteria provided, single submitter. Criteria: ACMG Guidelines, 2015. Collection method: clinical testing. Allele origin: germline.

Mayo Clinic Laboratories, Mayo Clinic
Classification: Benign. Last evaluated: 2024-11-20. Review status: criteria provided, single submitter. Criteria: ACMG Guidelines, 2015. Collection method: clinical testing. Allele origin: germline. Observed: 8 variant alleles.
Comment: BS1, BS2, BP4

Athena Diagnostics
Classification: Benign. Last evaluated: 2024-01-25. Review status: criteria provided, single submitter. Criteria: Athena Diagnostics Criteria. Collection method: clinical testing. Allele origin: unknown.

ARUP Laboratories, Molecular Genetics and Genomics, ARUP Laboratories
Classification: Uncertain significance for Ataxia-telangiectasia-like disorder 1. Last evaluated: 2023-10-14. Review status: criteria provided, single submitter. Criteria: ARUP Molecular Germline Variant Investigation Process 2024. Collection method: clinical testing. Allele origin: germline.
Comment: The MRE11 c.1475C>A; p.Ala492Asp variant (rs61749249) is reported in the literature in individuals with hereditary breast and ovarian cancer syndrome, colon cancer, or pancreatic cancer (Caminsky 2016, Castellanos 2017, Hu 2016, Taghizadeh 2020). However, this variant is also found in the non-Finnish European population with an allele frequency of 0.56% (720/129116 alleles, including 3 homozygotes) in the Genome Aggregation Database. This variant is reported in the ClinVar database (Variation ID: 127031). The alanine at codon 492 is moderately conserved, and computational analyses are uncertain whether this variant is neutral or deleterious (REVEL: 0.234). Based on available information, the clinical significance of this variant is uncertain at this time. References: Caminsky NG et al. Prioritizing Variants in Complete Hereditary Breast and Ovarian Cancer Genes in Patients Lacking Known BRCA Mutations. Hum Mutat. 2016 Jul;37(7):640-52. PMID: 26898890 Castellanos E et al. A comprehensive custom panel design for routine hereditary cancer testing: preserving control, improving diagnostics and revealing a complex variation landscape. Sci Rep. 2017 Jan 4;7:39348. PMID: 28051113 Hu C et al. Prevalence of Pathogenic Mutations in Cancer Predisposition Genes among Pancreatic Cancer Patients. Cancer Epidemiol Biomarkers Prev. 2016 Jan;25(1):207-11. PMID: 26483394 Taghizadeh H et al. Applied precision medicine in metastatic pancreatic ductal adenocarcinoma. Ther Adv Med Oncol. 2020 Jul 10;12:1758835920938611. PMID: 32699558;

National Health Laboratory Service, Universitas Academic Hospital and University of the Free State
Classification: Likely benign for Hereditary breast ovarian cancer syndrome. Last evaluated: 2022-04-19. Review status: criteria provided, single submitter. Criteria: ACMG Guidelines, 2015. Collection method: clinical testing. Allele origin: germline. Affected: yes. Observed: 1 variant allele.

Institute for Clinical Genetics, University Hospital TU Dresden, University Hospital TU Dresden
Classification: Uncertain significance. Last evaluated: 2021-11-03. Review status: criteria provided, single submitter. Criteria: ACMG Guidelines, 2015. Collection method: clinical testing. Allele origin: germline.

Genetic Services Laboratory, University of Chicago
Classification: Likely benign. Last evaluated: 2021-09-22. Review status: criteria provided, single submitter. Criteria: ACMG Guidelines, 2015. Collection method: clinical testing. Allele origin: germline. Affected: no.
Comment: DNA sequence analysis of the MRE11A gene demonstrated a sequence change, c.1475C>A, in exon 13 that results in an amino acid change, p.Ala492Asp. This sequence change does not appear to have been previously described in patients with MRE11A-related disorders and has been described in the gnomAD database with a reatively high frequency of 0.56% in the European sub-population (dbSNP rs61749249). The p.Ala492Asp change affects a moderately conserved amino acid residue located in a domain of the MRE11A protein that is known to be functional. In-silico pathogenicity prediction tools (SIFT, PolyPhen2, Align GVGD, REVEL) provide contradictory results for the p.Ala492Asp substitution. Due to these contrasting evidences and the lack of functional studies, the clinical significance of the p.Ala492Asp change remains unknown at this time.

GeneDx
Classification: Likely benign. Last evaluated: 2020-12-14. Review status: criteria provided, single submitter. Criteria: GeneDx Variant Classification Process June 2021. Collection method: clinical testing. Allele origin: germline. Affected: yes.
Comment: This variant is associated with the following publications: (PMID: 28051113, 26898890, 26483394, 30666157)

Sema4
Classification: Benign for Hereditary cancer-predisposing syndrome. Last evaluated: 2020-10-19. Review status: criteria provided, single submitter. Criteria: Sema4 Curation Guidelines. Collection method: curation. Allele origin: germline.

Quest Diagnostics Nichols Institute San Juan Capistrano
Classification: Benign. Last evaluated: 2020-01-06. Review status: criteria provided, single submitter. Criteria: Quest Diagnostics criteria. Collection method: clinical testing. Allele origin: unknown.

Baylor Genetics
Classification: Uncertain significance for Ataxia-telangiectasia-like disorder 1. Last evaluated: 2018-11-30. Review status: criteria provided, single submitter. Criteria: ACMG Guidelines, 2015. Collection method: clinical testing. Allele origin: maternal. Affected: yes. Study: CSER-TexasKidsCanSeq.
Comment: This variant was determined to be of uncertain significance according to ACMG Guidelines, 2015 [PMID:25741868].

Illumina Laboratory Services, Illumina
Classification: Benign for Ataxia-telangiectasia-like disorder 1. Last evaluated: 2017-04-27. Review status: criteria provided, single submitter. Criteria: ICSL Variant Classification Criteria 13 December 2019. Collection method: clinical testing. Allele origin: germline.
Comment: This variant was observed as part of a predisposition screen in an ostensibly healthy population. A literature search was performed for the gene, cDNA change, and amino acid change (where applicable). Publications were found based on this search. The evidence from the literature, in combination with allele frequency data from public databases where available, was sufficient to rule this variant out of causing disease. Therefore, this variant is classified as benign.

Eurofins Ntd Llc (ga)
Classification: Likely benign. Last evaluated: 2016-04-25. Review status: criteria provided, single submitter. Criteria: EGL Classification Definitions 2015. Collection method: clinical testing. Allele origin: germline. Observed: 1 variant allele, 1 heterozygote.

Ambry Genetics
Classification: Benign for Hereditary cancer-predisposing syndrome. Last evaluated: 2014-08-07. Review status: criteria provided, single submitter. Criteria: Ambry Variant Classification Scheme 2023. Collection method: clinical testing. Allele origin: germline.

Counsyl
Classification: Likely benign for Ataxia-telangiectasia-like disorder 1. Last evaluated: 2017-07-05. Review status: no assertion criteria provided. Collection method: clinical testing. Allele origin: unknown. Not counted in ClinVar's aggregate classification.

Clinical Genetics DNA and cytogenetics Diagnostics Lab, Erasmus MC, Erasmus Medical Center
Classification: Likely benign. Review status: no assertion criteria provided. Collection method: clinical testing. Allele origin: germline. Affected: yes. Study: VKGL Data-share Consensus. Not counted in ClinVar's aggregate classification.

Genome Diagnostics Laboratory, University Medical Center Utrecht
Classification: Likely benign. Review status: no assertion criteria provided. Collection method: clinical testing. Allele origin: germline. Affected: yes. Study: VKGL Data-share Consensus. Not counted in ClinVar's aggregate classification.

Harris Lab, University of Minnesota
No classification provided. Review status: no classification provided. Collection method: not provided. Allele origin: unknown. Not counted in ClinVar's aggregate classification.

Laboratory of Diagnostic Genome Analysis, Leiden University Medical Center (LUMC)
Classification: Likely benign. Review status: no assertion criteria provided. Collection method: clinical testing. Allele origin: germline. Affected: yes. Study: VKGL Data-share Consensus. Not counted in ClinVar's aggregate classification.

Literature cited by the submitters: PubMed 27621404 (cited by Athena Diagnostics and Quest Diagnostics Nichols Institute San Juan Capistrano); PubMed 28051113 (cited by 3 submitters); PubMed 20805886 (cited by Illumina Laboratory Services, Illumina); PubMed 26898890 (cited by Counsyl); PubMed 26483394 (cited by Counsyl).

NM_005591.4(MRE11):c.1475C>A (p.Ala492Asp)

Gene: MRE11 (MRE11 double strand break repair nuclease; minus strand). Cytogenetic location: 11q21.
Variant type: single nucleotide variant.
Coding change: c.1475C>A on transcript NM_005591.4 (MANE Select); coding-DNA position 1475, C replaced by A.
Protein change: p.Ala492Asp; replaces alanine 492 with aspartic acid.
Molecular consequence: missense variant.
Genome position (GRCh38, 1-based): chr11:94,459,433, G>T on the plus strand (C>A on the coding strand, the complement: MRE11 is on the minus strand). VCF-style: chr11-94459433-G-T. GRCh37 (hg19) VCF-style: chr11-94192599-G-T.
Other names: p.A492D:GCC>GAC; NP_005582.1:p.Ala492Asp; c.1475C>A (NM_001330347.1); c.1475C>A, p.Ala492Asp (NM_001330347.2, NM_005590.4); short protein forms A492D.
Identifiers: ClinVar variation 127031 (VCV000127031.91), dbSNP rs61749249, ClinGen allele CA206852.